The following is an entry in ClinVar:

ClinVar aggregate classification (germline): Conflicting classifications of pathogenicity. Review status: criteria provided, conflicting classifications (1 of 4 stars). 2 submissions from 2 submitters: Uncertain significance (1); Likely benign (1). Last evaluated 2026-04-11.

Conditions:
Intellectual developmental disorder, autosomal dominant 6, with or without seizures. Also called: Intellectual disability, autosomal dominant 6; GRIN2B-related developmental delay, intellectual disability and autism spectrum disorder. Identifiers: Orphanet 589547, MedGen C3151411, MONDO:0013509, OMIM 613970.
Developmental and epileptic encephalopathy, 27 (DEE27). Also called: GRIN2B-Related Neurodevelopmental Disorder; Epileptic encephalopathy, early infantile, 27. Identifiers: Orphanet 3451, MedGen C4015316, MONDO:0014505, OMIM 616139.

Submissions (2):

GeneDx
Classification: Uncertain significance. Last evaluated: 2026-04-11. Review status: criteria provided, single submitter. Criteria: GeneDx Variant Classification Process June 2021. Collection method: clinical testing. Allele origin: germline.
Comment: Not observed at significant frequency in large population cohorts (gnomAD); In silico analysis supports that this missense variant has a deleterious effect on protein structure/function; Has not been previously published as pathogenic or benign to our knowledge

Labcorp Genetics (formerly Invitae), Labcorp
Classification: Likely benign for Developmental and epileptic encephalopathy, 27; Intellectual developmental disorder, autosomal dominant 6, with or without seizures. Last evaluated: 2020-08-06. Review status: criteria provided, single submitter. Criteria: Invitae Variant Classification Sherloc (09022015). Collection method: clinical testing. Allele origin: germline.

NM_000834.5(GRIN2B):c.920T>G (p.Met307Arg)

Gene: GRIN2B (glutamate ionotropic receptor NMDA type subunit 2B; minus strand). Cytogenetic location: 12p13.1.
Variant type: single nucleotide variant.
Coding change: c.920T>G on transcript NM_000834.5 (MANE Select); coding-DNA position 920, T replaced by G.
Protein change: p.Met307Arg; replaces methionine 307 with arginine.
Molecular consequence: missense variant.
Genome position (GRCh38, 1-based): chr12:13,753,407, A>C on the plus strand (T>G on the coding strand, the complement: GRIN2B is on the minus strand). VCF-style: chr12-13753407-A-C. GRCh37 (hg19) VCF-style: chr12-13906341-A-C.
Other names: c.920T>G (NM_000834.3); short protein forms M307R.
Identifiers: ClinVar variation 1125424 (VCV001125424.11), dbSNP rs2136628922, ClinGen allele CA384053149.